The following is an entry in ClinVar:

ClinVar aggregate classification (germline): Benign (1 of 4 stars; one submission).

Allele frequency attached by ClinVar (database versions not stated): 1000 Genomes Project 30x 0.21237; TOPMed 0.15078; 1000 Genomes Project 0.20986; gnomAD 0.12217.
gnomAD v4.1: 20,022 of 152,256 alleles (13%); highest among the groups gnomAD compares: African/African-American, 29%; 2,271 homozygotes.

Submission:

GeneDx
Classification: Benign. Last evaluated: 2018-06-14. Review status: criteria provided, single submitter. Criteria: GeneDx Variant Classification (06012015). Collection method: clinical testing. Allele origin: germline. Affected: yes.
Comment: This variant is considered likely benign or benign based on one or more of the following criteria: it is a conservative change, it occurs at a poorly conserved position in the protein, it is predicted to be benign by multiple in silico algorithms, and/or has population frequency not consistent with disease.

NM_000093.5(COL5A1):c.1989+279T>C

Gene: COL5A1 (collagen type V alpha 1 chain; plus strand). Cytogenetic location: 9q34.3.
Variant type: single nucleotide variant.
Coding change: c.1989+279T>C on transcript NM_000093.5 (MANE Select); 279 bases into the intron after coding-DNA position 1989, T replaced by C.
Molecular consequence: intron variant.
Genome position (GRCh38, 1-based): chr9:134,762,257, T>C. VCF-style: chr9-134762257-T-C. GRCh37 (hg19) VCF-style: chr9-137654103-T-C.
Other names: c.1989+279T>C (NM_001278074.1).
Identifiers: ClinVar variation 683361 (VCV000683361.1), dbSNP rs11103509, ClinGen allele CA13077974.